The following is an entry in ClinVar:

NM_016341.4(PLCE1):c.5099T>C (p.Ile1700Thr)

Gene: PLCE1 (phospholipase C epsilon 1; plus strand). Cytogenetic location: 10q23.33.
Variant type: single nucleotide variant.
Coding change: c.5099T>C on transcript NM_016341.4 (MANE Select); coding-DNA position 5099, T replaced by C.
Protein change: p.Ile1700Thr; replaces isoleucine 1700 with threonine.
Molecular consequence: missense variant.
Genome position (GRCh38, 1-based): chr10:94,293,571, T>C. VCF-style: chr10-94293571-T-C. GRCh37 (hg19) VCF-style: chr10-96053328-T-C.
Other names: p.Ile1700Thr; c.4175T>C, p.Ile1392Thr (NM_001165979.2); c.5051T>C, p.Ile1684Thr (NM_001288989.2); short protein forms I1700T, I1392T, I1684T.
Identifiers: ClinVar variation 301726 (VCV000301726.7), dbSNP rs886047505, ClinGen allele CA10632925.

ClinVar aggregate classification (germline): Uncertain significance. Review status: criteria provided, multiple submitters, no conflicts (2 of 4 stars). 3 submissions from 3 submitters: Uncertain significance (3). Last evaluated 2024-02-28.

Conditions:
Nephrotic syndrome, type 3 (NPHS3). Also called: NEPHROTIC SYNDROME, EARLY-ONSET, TYPE 3. Identifiers: Orphanet 656, MedGen C1853124, MONDO:0012546, OMIM 610725.

Allele frequency attached by ClinVar (database versions not stated): gnomAD exomes below 0.00001; TOPMed 0.00002.
gnomAD v4.1: 1 of 1,613,844 alleles (0.000062%); highest among the groups gnomAD compares: Admixed American, 0.0017%; no homozygotes.

Submissions (3):

Fulgent Genetics
Classification: Uncertain significance for Nephrotic syndrome, type 3. Last evaluated: 2024-02-28. Review status: criteria provided, single submitter. Criteria: ACMG Guidelines, 2015. Collection method: clinical testing. Allele origin: germline.

Mayo Clinic Laboratories, Mayo Clinic
Classification: Uncertain significance. Last evaluated: 2022-11-21. Review status: criteria provided, single submitter. Criteria: ACMG Guidelines, 2015. Collection method: clinical testing. Allele origin: germline. Observed: 1 variant allele.
Comment: PM2_supporting

Illumina Laboratory Services, Illumina
Classification: Uncertain significance for Nephrotic syndrome, type 3. Last evaluated: 2018-01-13. Review status: criteria provided, single submitter. Criteria: ICSL Variant Classification Criteria 13 December 2019. Collection method: clinical testing. Allele origin: germline.